The following is an entry in ClinVar:

ClinVar aggregate classification (germline): Benign. Review status: criteria provided, multiple submitters, no conflicts (2 of 4 stars). 2 submissions from 2 submitters: Benign (2). Last evaluated 2018-06-18.

Allele frequency attached by ClinVar (database versions not stated): gnomAD 0.22233 and 0.22899; TOPMed 0.23456; gnomAD exomes 0.25423; 1000 Genomes Project 30x 0.26562; 1000 Genomes Project 0.27177.
gnomAD v4.1: 370,851 of 1,472,636 alleles (25%); highest among the groups gnomAD compares: East Asian, 50%; 49,607 homozygotes.

Submissions (2):

GeneDx
Classification: Benign. Last evaluated: 2018-06-18. Review status: criteria provided, single submitter. Criteria: GeneDx Variant Classification (06012015). Collection method: clinical testing. Allele origin: germline. Affected: yes.
Comment: This variant is considered likely benign or benign based on one or more of the following criteria: it is a conservative change, it occurs at a poorly conserved position in the protein, it is predicted to be benign by multiple in silico algorithms, and/or has population frequency not consistent with disease.

Breakthrough Genomics
Classification: Benign. Review status: criteria provided, single submitter. Criteria: ACMG Guidelines, 2015. Collection method: not provided. Allele origin: germline. Inheritance: Autosomal dominant inheritance. Affected: yes.

NM_005902.4(SMAD3):c.872-95T>C

Gene: SMAD3 (SMAD family member 3; plus strand). Cytogenetic location: 15q22.33.
Variant type: single nucleotide variant.
Coding change: c.872-95T>C on transcript NM_005902.4 (MANE Select); 95 bases into the intron before coding-DNA position 872, T replaced by C.
Molecular consequence: intron variant.
Genome position (GRCh38, 1-based): chr15:67,184,632, T>C. VCF-style: chr15-67184632-T-C. GRCh37 (hg19) VCF-style: chr15-67476970-T-C.
Other names: c.557-95T>C (NM_001145102.2); c.740-95T>C (NM_001145103.2); c.287-95T>C (NM_001145104.2).
Identifiers: ClinVar variation 673140 (VCV000673140.2), dbSNP rs2289790, ClinGen allele CA14104836.